The following is an entry in ClinVar:

NM_001378454.1(ALMS1):c.9374T>A (p.Phe3125Tyr)

Gene: ALMS1 (ALMS1 centrosome and basal body associated protein; plus strand). Cytogenetic location: 2p13.1.
Variant type: single nucleotide variant.
Coding change: c.9374T>A on transcript NM_001378454.1 (MANE Select); coding-DNA position 9374, T replaced by A.
Protein change: p.Phe3125Tyr; replaces phenylalanine 3125 with tyrosine.
Molecular consequence: missense variant.
Genome position (GRCh38, 1-based): chr2:73,491,333, T>A. VCF-style: chr2-73491333-T-A. GRCh37 (hg19) VCF-style: chr2-73718460-T-A.
Other names: c.9377T>A, p.Phe3126Tyr (NM_015120.4); short protein forms F3125Y, F3126Y.
Identifiers: ClinVar variation 4712902 (VCV004712902.1).

ClinVar aggregate classification (germline): Uncertain significance (1 of 4 stars; one submission).

Conditions:
Alstrom syndrome (ALMS). Identifiers: Orphanet 64, MedGen C0268425, MONDO:0008763, OMIM 203800.

gnomAD v4.1: 1 of 1,614,192 alleles (0.000062%); highest among the groups gnomAD compares: East Asian, 0.0022%; no homozygotes.

Submission:

Labcorp Genetics (formerly Invitae), Labcorp
Classification: Uncertain significance for Alstrom syndrome. Last evaluated: 2025-02-20. Review status: criteria provided, single submitter. Criteria: Invitae Variant Classification Sherloc (09022015). Collection method: clinical testing. Allele origin: germline.
Comment: This sequence change replaces phenylalanine, which is neutral and non-polar, with tyrosine, which is neutral and polar, at codon 3126 of the ALMS1 protein (p.Phe3126Tyr). This variant is not present in population databases (gnomAD no frequency). This variant has not been reported in the literature in individuals affected with ALMS1-related conditions. Experimental studies and prediction algorithms are not available or were not evaluated, and the functional significance of this variant is currently unknown. In summary, the available evidence is currently insufficient to determine the role of this variant in disease. Therefore, it has been classified as a Variant of Uncertain Significance.